The following is an entry in ClinVar:

NM_000284.4(PDHA1):c.479_481del (p.Phe160del)

Gene: PDHA1 (pyruvate dehydrogenase E1 subunit alpha 1; plus strand). Cytogenetic location: Xp22.12.
Variant type: Deletion.
Coding change: c.479_481del on transcript NM_000284.4 (MANE Select); coding-DNA positions 479 to 481, 3 bases deleted (TCT; older notation c.479_481delTCT).
Protein change: p.Phe160del; deletes phenylalanine 160.
Molecular consequence: inframe deletion.
Genome position (GRCh38, 1-based): chrX:19,353,142-19,353,144, TCT deleted; deleting any 3 consecutive bases within chrX:19,353,140-19,353,144 gives the same sequence; the c. name uses the placement nearest the transcript's 3' end. VCF-style (leftmost placement, unchanged base first): chrX-19353139-ACTT-A. GRCh37 (hg19) VCF-style: chrX-19371257-ACTT-A.
Other names: c.593_595del, p.Phe198del (NM_001173454.2); c.500_502del, p.Phe167del (NM_001173455.2); c.479_481del, p.Phe160del (NM_001173456.2); short protein forms F160del, F167del, F198del.
Identifiers: ClinVar variation 4070330 (VCV004070330.1).

ClinVar aggregate classification (germline): Pathogenic (0 of 4 stars; one submission).

Conditions:
Pyruvate dehydrogenase E1-alpha deficiency (PDHAD). Also called: ATAXIA, INTERMITTENT, WITH PYRUVATE DEHYDROGENASE DEFICIENCY; ATAXIA WITH LACTIC ACIDOSIS I; ATAXIA, INTERMITTENT, WITH ABNORMAL PYRUVATE METABOLISM; Ataxia, intermittent, with pyruvate dehydrogenase, or decarboxylase, deficiency. Identifiers: Orphanet 79243, MedGen C1839413, MONDO:0010717, OMIM 312170.

Submission:

PDHA1 Study Group, University Children’s Hospital, Paracelsus Medical University
Classification: Pathogenic for Pyruvate dehydrogenase E1-alpha deficiency. Last evaluated: 2024-10-15. Review status: no assertion criteria provided. Collection method: research. Allele origin: de novo. Affected: yes. Observed: 1 variant allele.
Comment: The NM_000284.3:c.479_481del (p.Phe160del) change is a deletion-insertion (delins) variant in PDHA1 gene. Among them, 1 case had confirmed de novo occurrence. Last literature search: July 12, 2024. This variant is absent or extremely rare in population-based cohorts in the Genome Aggregation Database (gnomAD). Individuals harboring this variant presented with clinical features compatible with PDHA1-related PDHc deficiency. In summary, this variant meets criteria to be classified as pathogenic (P) for PDHA1-related PDHc deficiency based on the ACMG/AMP criteria applied: PS1, PS2, PM2 (last assessment October 15, 2024).

Literature cited by the submitters: DOI 10.1093/brain/awaf430.